The following is an entry in ClinVar:

ClinVar aggregate classification (germline): Conflicting classifications of pathogenicity. Review status: criteria provided, conflicting classifications (1 of 4 stars). 4 submissions from 4 submitters: Uncertain significance (3); Likely benign (1). Last evaluated 2025-08-24.

Conditions:
Inborn genetic diseases. Identifiers: MedGen C0950123, MeSH D030342.
Ullrich congenital muscular dystrophy 2 (UCMD2). Identifiers: Orphanet 75840, MedGen C4225314, MONDO:0014654, OMIM 616470.
Bethlem myopathy 2 (BTHLM2). Identifiers: Orphanet 536516, Orphanet 610, MedGen C4225313, MONDO:0034022, OMIM 616471.

Allele frequency attached by ClinVar (database versions not stated): gnomAD exomes 0.00001; ESP Exome Variant Server 0.00008; 1000 Genomes Project 30x 0.00016; ExAC 0.00003; TOPMed 0.00005; 1000 Genomes Project 0.00020; gnomAD 0.00005.
gnomAD v4.1: 26 of 1,613,216 alleles (0.0016%); highest among the groups gnomAD compares: African/African-American, 0.0093%; no homozygotes.

Submissions (4):

Labcorp Genetics (formerly Invitae), Labcorp
Classification: Likely benign for Bethlem myopathy 2; Ullrich congenital muscular dystrophy 2. Last evaluated: 2025-08-24. Review status: criteria provided, single submitter. Criteria: Invitae Variant Classification Sherloc (09022015). Collection method: clinical testing. Allele origin: germline.

Ambry Genetics
Classification: Uncertain significance for Inborn genetic diseases. Last evaluated: 2025-04-12. Review status: criteria provided, single submitter. Criteria: Ambry Variant Classification Scheme 2023. Collection method: clinical testing. Allele origin: germline.

Revvity Omics, Revvity
Classification: Uncertain significance. Last evaluated: 2024-09-24. Review status: criteria provided, single submitter. Criteria: ACMG Guidelines, 2015. Collection method: clinical testing. Allele origin: germline.

GeneDx
Classification: Uncertain significance. Last evaluated: 2022-10-26. Review status: criteria provided, single submitter. Criteria: GeneDx Variant Classification Process June 2021. Collection method: clinical testing. Allele origin: germline. Affected: yes.
Comment: In silico analysis supports that this missense variant does not alter protein structure/function; Has not been previously published as pathogenic or benign to our knowledge

NM_004370.6(COL12A1):c.3371C>T (p.Thr1124Met)

Gene: COL12A1 (collagen type XII alpha 1 chain; minus strand). Cytogenetic location: 6q13.
Variant type: single nucleotide variant.
Coding change: c.3371C>T on transcript NM_004370.6 (MANE Select); coding-DNA position 3371, C replaced by T.
Protein change: p.Thr1124Met; replaces threonine 1124 with methionine.
Molecular consequence: missense variant. On other transcripts: intron variant (1).
Genome position (GRCh38, 1-based): chr6:75,155,734, G>A on the plus strand (C>T on the coding strand, the complement: COL12A1 is on the minus strand). VCF-style: chr6-75155734-G-A. GRCh37 (hg19) VCF-style: chr6-75865450-G-A.
Other names: c.3371C>T (NM_004370.5); c.74-3252C>T (NM_080645.3); short protein forms T1124M.
Identifiers: ClinVar variation 2136495 (VCV002136495.7), dbSNP rs367774920, ClinGen allele CA3893747.
Genomic context (GRCh38, chr6:75,155,734, plus strand): 5'-AAAACAACTGTGTTGTCATAGGGTCCAACCACTAACTCCCCCAGTCTTCTGTCATCCCCC[G>A]TAGGGTGGAATGTGACTTTATAACCCTTCACTTCCCCAGGGGCAGGCTCCCAAGTCACTC-3'
Protein context (NP_004361.3, residues 1114-1134): VKGYKVTFHP[Thr1124Met]GDDRRLGELV